The following is an entry in ClinVar:

NM_017617.5(NOTCH1):c.4001G>A (p.Cys1334Tyr)

Gene: NOTCH1 (notch receptor 1; minus strand). Cytogenetic location: 9q34.3.
Variant type: single nucleotide variant.
Coding change: c.4001G>A on transcript NM_017617.5 (MANE Select); coding-DNA position 4001, G replaced by A.
Protein change: p.Cys1334Tyr; replaces cysteine 1334 with tyrosine.
Molecular consequence: missense variant.
Genome position (GRCh38, 1-based): chr9:136,506,540, C>T on the plus strand (G>A on the coding strand, the complement: NOTCH1 is on the minus strand). VCF-style: chr9-136506540-C-T. GRCh37 (hg19) VCF-style: chr9-139400992-C-T.
Other names: short protein forms C1334Y.
Identifiers: ClinVar variation 2855159 (VCV002855159.3), dbSNP rs2133342406, ClinGen allele CA375548615.
Genomic context (GRCh38, chr9:136,506,540, plus strand): 5'-GGTGTCTCCCCTGGCGGGCCCCTGCCTCCCTGCACCCCTGCACCTACCGCAGGGCACTTG[C>T]AGATGAACCCGCGGGCGGTGTTGGAGGCCACGGCGCAGGTGCCCCCATTCTTGCAGGGCT-3'
Protein context (NP_060087.3, residues 1324-1344): VASNTARGFI[Cys1334Tyr]KCPAGFEGAT

ClinVar aggregate classification (germline): Uncertain significance (1 of 4 stars; one submission).

Conditions:
Adams-Oliver syndrome 5 (AOS5). Identifiers: Orphanet 974, MedGen C4014970, MONDO:0014459, OMIM 616028.

Submission:

Labcorp Genetics (formerly Invitae), Labcorp
Classification: Uncertain significance for Adams-Oliver syndrome 5. Last evaluated: 2023-04-11. Review status: criteria provided, single submitter. Criteria: Invitae Variant Classification Sherloc (09022015). Collection method: clinical testing. Allele origin: germline.
Comment: In summary, the available evidence is currently insufficient to determine the role of this variant in disease. Therefore, it has been classified as a Variant of Uncertain Significance. Advanced modeling of protein sequence and biophysical properties (such as structural, functional, and spatial information, amino acid conservation, physicochemical variation, residue mobility, and thermodynamic stability) performed at Invitae indicates that this missense variant is expected to disrupt NOTCH1 protein function. This variant has not been reported in the literature in individuals affected with NOTCH1-related conditions. This variant is not present in population databases (gnomAD no frequency). This sequence change replaces cysteine, which is neutral and slightly polar, with tyrosine, which is neutral and polar, at codon 1334 of the NOTCH1 protein (p.Cys1334Tyr).